The following is an entry in ClinVar:

NM_000018.4(ACADVL):c.1274C>T (p.Ala425Val)

Gene: ACADVL (acyl-CoA dehydrogenase very long chain; plus strand). Cytogenetic location: 17p13.1.
Variant type: single nucleotide variant.
Coding change: c.1274C>T on transcript NM_000018.4 (MANE Select); coding-DNA position 1274, C replaced by T.
Protein change: p.Ala425Val; replaces alanine 425 with valine.
Molecular consequence: missense variant.
Genome position (GRCh38, 1-based): chr17:7,223,817, C>T. VCF-style: chr17-7223817-C-T. GRCh37 (hg19) VCF-style: chr17-7127136-C-T.
Other names: c.1046C>T, p.Ala349Val (NM_001270448.2); c.1208C>T, p.Ala403Val (NM_001033859.3); c.1343C>T, p.Ala448Val (NM_001270447.2); short protein forms A403V, A448V, A425V, A349V.
Identifiers: ClinVar variation 2907982 (VCV002907982.3), dbSNP rs2508344039, ClinGen allele CA397724754.

ClinVar aggregate classification (germline): Likely pathogenic (1 of 4 stars; one submission).

Conditions:
Very long chain acyl-CoA dehydrogenase deficiency (ACADVLD). Also called: Very Long-Chain Acyl-Coenzyme A Dehydrogenase Deficiency; VLCAD Deficiency. Identifiers: Orphanet 26793, MedGen C3887523, MONDO:0008723, OMIM 201475.

Allele frequency attached by ClinVar (database versions not stated): gnomAD exomes below 0.00001.
gnomAD v4.1: 1 of 1,614,124 alleles (0.000062%); highest among the groups gnomAD compares: Non-Finnish European, 0.000085%; no homozygotes.

Submission:

Labcorp Genetics (formerly Invitae), Labcorp
Classification: Likely pathogenic for Very long chain acyl-CoA dehydrogenase deficiency. Last evaluated: 2022-11-29. Review status: criteria provided, single submitter. Criteria: Invitae Variant Classification Sherloc (09022015). Collection method: clinical testing. Allele origin: germline.
Comment: This variant disrupts the p.Ala425 amino acid residue in ACADVL. Other variant(s) that disrupt this residue have been determined to be pathogenic (PMID: 23700290, 27209629; Invitae). This suggests that this residue is clinically significant, and that variants that disrupt this residue are likely to be disease-causing. This sequence change replaces alanine, which is neutral and non-polar, with valine, which is neutral and non-polar, at codon 425 of the ACADVL protein (p.Ala425Val). This variant is not present in population databases (gnomAD no frequency). This variant has not been reported in the literature in individuals affected with ACADVL-related conditions. Advanced modeling of protein sequence and biophysical properties (such as structural, functional, and spatial information, amino acid conservation, physicochemical variation, residue mobility, and thermodynamic stability) performed at Invitae indicates that this missense variant is expected to disrupt ACADVL protein function. In summary, the currently available evidence indicates that the variant is pathogenic, but additional data are needed to prove that conclusively. Therefore, this variant has been classified as Likely Pathogenic.

Literature cited by the submitters: PubMed 23700290; PubMed 27209629.